The following is an entry in ClinVar:

ClinVar aggregate classification (germline): Conflicting classifications of pathogenicity. Review status: criteria provided, conflicting classifications (1 of 4 stars). 5 submissions from 5 submitters: Uncertain significance (4); Likely benign (1). Last evaluated 2026-06-18.

Conditions:
Inborn genetic diseases. Identifiers: MedGen C0950123, MeSH D030342.

Allele frequency attached by ClinVar (database versions not stated): ExAC 0.00002; gnomAD 0.00003; gnomAD exomes 0.00003 and 0.00008; TOPMed 0.00003; 1000 Genomes Project 30x 0.00016.
gnomAD v4.1: 120 of 1,613,966 alleles (0.0074%); highest among the groups gnomAD compares: Non-Finnish European, 0.0095%; no homozygotes.

Submissions (5):

Women's Health and Genetics/Laboratory Corporation of America, LabCorp
Classification: Uncertain significance. Last evaluated: 2026-06-18. Review status: criteria provided, single submitter. Criteria: LabCorp Variant Classification Summary - May 2015. Collection method: clinical testing. Allele origin: germline.
Comment: Variant summary: ADGRV1 c.15698T>C (p.Met5233Thr) results in a non-conservative amino acid change in the encoded protein sequence. Algorithms developed to predict the effect of missense changes on protein structure and function are either unavailable or do not agree on the potential impact of this missense change. The variant allele was found at a frequency of 2.8e-05 in 248906 control chromosomes. The available data on variant occurrences in the general population are insufficient to allow any conclusion about variant significance. To our knowledge, no occurrence of c.15698T>C in individuals affected with ADGRV1-related conditions and no experimental evidence demonstrating its impact on protein function have been reported. ClinVar contains an entry for this variant (Variation ID: 1317491). Based on the evidence outlined above, the variant was classified as uncertain significance.

Ambry Genetics
Classification: Uncertain significance for Inborn genetic diseases. Last evaluated: 2025-12-15. Review status: criteria provided, single submitter. Criteria: Ambry Variant Classification Scheme 2023. Collection method: clinical testing. Allele origin: germline.

Labcorp Genetics (formerly Invitae), Labcorp
Classification: Likely benign. Last evaluated: 2024-03-02. Review status: criteria provided, single submitter. Criteria: Invitae Variant Classification Sherloc (09022015). Collection method: clinical testing. Allele origin: germline.

GeneDx
Classification: Uncertain significance. Last evaluated: 2021-10-01. Review status: criteria provided, single submitter. Criteria: GeneDx Variant Classification Process June 2021. Collection method: clinical testing. Allele origin: germline. Affected: yes.
Comment: Not observed at a significant frequency in large population cohorts (Lek et al., 2016); In silico analysis supports that this missense variant does not alter protein structure/function; Has not been previously published as pathogenic or benign to our knowledge

Blueprint Genetics
Classification: Uncertain significance. Last evaluated: 2018-10-24. Review status: criteria provided, single submitter. Criteria: ACMG Guidelines, 2015. Collection method: clinical testing. Allele origin: germline.

NM_032119.4(ADGRV1):c.15698T>C (p.Met5233Thr)

Gene: ADGRV1 (adhesion G protein-coupled receptor V1; plus strand). Cytogenetic location: 5q14.3.
Variant type: single nucleotide variant.
Coding change: c.15698T>C on transcript NM_032119.4 (MANE Select); coding-DNA position 15698, T replaced by C.
Protein change: p.Met5233Thr; replaces methionine 5233 with threonine.
Molecular consequence: missense variant. On other transcripts: non-coding transcript variant (1).
Genome position (GRCh38, 1-based): chr5:90,810,958, T>C. VCF-style: chr5-90810958-T-C. GRCh37 (hg19) VCF-style: chr5-90106775-T-C.
Other names: short protein forms M5233T.
Identifiers: ClinVar variation 1317491 (VCV001317491.10), dbSNP rs750968239, ClinGen allele CA3341964.